The following is an entry in ClinVar:

NM_001127208.3(TET2):c.3392C>T (p.Pro1131Leu)

Genes: TET2 (tet methylcytosine dioxygenase 2; plus strand), TET2-AS1 (TET2 antisense RNA 1; minus strand). Cytogenetic location: 4q24.
Variant type: single nucleotide variant.
Coding change: c.3392C>T on transcript NM_001127208.3 (MANE Select); coding-DNA position 3392, C replaced by T.
Protein change: p.Pro1131Leu; replaces proline 1131 with leucine.
Molecular consequence: missense variant.
Genome position (GRCh38, 1-based): chr4:105,237,334, C>T. VCF-style: chr4-105237334-C-T. GRCh37 (hg19) VCF-style: chr4-106158491-C-T.
Other names: c.3392C>T, p.Pro1131Leu (NM_017628.4); short protein forms P1131L.
Identifiers: ClinVar variation 4183005 (VCV004183005.1).

ClinVar aggregate classification (germline): Uncertain significance (1 of 4 stars; one submission).

Submission:

Ambry Genetics
Classification: Uncertain significance. Last evaluated: 2025-08-04. Review status: criteria provided, single submitter. Criteria: Ambry Variant Classification Scheme 2023. Collection method: clinical testing. Allele origin: germline.
Comment: The p.P1131L variant (also known as c.3392C>T), located in coding exon 1 of the TET2 gene, results from a C to T substitution at nucleotide position 3392. The proline at codon 1131 is replaced by leucine, an amino acid with similar properties. This amino acid position is conserved. In addition, the in silico prediction for this alteration is inconclusive. Based on the available evidence, the clinical significance of this variant remains unclear.